The following is an entry in ClinVar:

ClinVar aggregate classification (germline): Uncertain significance. Review status: criteria provided, multiple submitters, no conflicts (2 of 4 stars). 2 submissions from 2 submitters: Uncertain significance (2). Last evaluated 2025-08-21.

Allele frequency attached by ClinVar (database versions not stated): TOPMed 0.00002; gnomAD exomes 0.00004 and 0.00002; gnomAD 0.00001; ExAC 0.00002.
gnomAD v4.1: 14 of 1,614,070 alleles (0.00087%); highest among the groups gnomAD compares: Admixed American, 0.022%; no homozygotes.

Submissions (2):

Ambry Genetics
Classification: Uncertain significance. Last evaluated: 2025-08-21. Review status: criteria provided, single submitter. Criteria: Ambry Variant Classification Scheme 2023. Collection method: clinical testing. Allele origin: germline.

Labcorp Genetics (formerly Invitae), Labcorp
Classification: Uncertain significance. Last evaluated: 2022-11-15. Review status: criteria provided, single submitter. Criteria: Invitae Variant Classification Sherloc (09022015). Collection method: clinical testing. Allele origin: germline.
Comment: In summary, the available evidence is currently insufficient to determine the role of this variant in disease. Therefore, it has been classified as a Variant of Uncertain Significance. Algorithms developed to predict the effect of missense changes on protein structure and function output the following: SIFT: "Tolerated"; PolyPhen-2: "Benign"; Align-GVGD: "Class C0". The threonine amino acid residue is found in multiple mammalian species, which suggests that this missense change does not adversely affect protein function. ClinVar contains an entry for this variant (Variation ID: 1025431). This variant has not been reported in the literature in individuals affected with KIF22-related conditions. This variant is present in population databases (rs766356873, gnomAD 0.02%). This sequence change replaces alanine, which is neutral and non-polar, with threonine, which is neutral and polar, at codon 163 of the KIF22 protein (p.Ala163Thr).

NM_007317.3(KIF22):c.487G>A (p.Ala163Thr)

Gene: KIF22 (kinesin family member 22; plus strand). Cytogenetic location: 16p11.2.
Variant type: single nucleotide variant.
Coding change: c.487G>A on transcript NM_007317.3 (MANE Select); coding-DNA position 487, G replaced by A.
Protein change: p.Ala163Thr; replaces alanine 163 with threonine.
Molecular consequence: missense variant.
Genome position (GRCh38, 1-based): chr16:29,798,685, G>A. VCF-style: chr16-29798685-G-A. GRCh37 (hg19) VCF-style: chr16-29810006-G-A.
Other names: c.283G>A, p.Ala95Thr (NM_001256269.2, NM_001256270.1); c.487G>A (NM_007317.1); short protein forms A163T, A95T.
Identifiers: ClinVar variation 1025431 (VCV001025431.9), dbSNP rs766356873, ClinGen allele CA7992999.